The following is an entry in ClinVar:

ClinVar aggregate classification (germline): Pathogenic/Likely pathogenic. Review status: criteria provided, multiple submitters, no conflicts (2 of 4 stars). 2 submissions from 2 submitters: Pathogenic (1); Likely pathogenic (1). Last evaluated 2023-03-24.

Conditions:
Renal-hepatic-pancreatic dysplasia 2 (RHPD2). Identifiers: MedGen C3809434, MONDO:0014174, OMIM 615415.
Nephronophthisis 9 (NPHP9). Identifiers: Orphanet 655, MedGen C3151188, MONDO:0013444, OMIM 613824.

Allele frequency attached by ClinVar (database versions not stated): gnomAD exomes below 0.00001; TOPMed below 0.00001; ESP Exome Variant Server 0.00008.
gnomAD v4.1: 1 of 1,614,128 alleles (0.000062%); highest among the groups gnomAD compares: Non-Finnish European, 0.000085%; no homozygotes.

Submissions (2):

Labcorp Genetics (formerly Invitae), Labcorp
Classification: Pathogenic for Nephronophthisis 9. Last evaluated: 2023-03-24. Review status: criteria provided, single submitter. Criteria: Invitae Variant Classification Sherloc (09022015). Collection method: clinical testing. Allele origin: germline.
Comment: For these reasons, this variant has been classified as Pathogenic. Algorithms developed to predict the effect of sequence changes on RNA splicing suggest that this variant may disrupt the consensus splice site. This variant has not been reported in the literature in individuals affected with NEK8-related conditions. This variant is present in population databases (rs141973397, gnomAD 0.0009%). This sequence change creates a premature translational stop signal (p.Glu444*) in the NEK8 gene. It is expected to result in an absent or disrupted protein product. Loss-of-function variants in NEK8 are known to be pathogenic (PMID: 23418306, 26967905).

Department of Pathology and Laboratory Medicine, Sinai Health System
Classification: Likely pathogenic for Renal-hepatic-pancreatic dysplasia 2. Last evaluated: 2022-11-30. Review status: criteria provided, single submitter. Criteria: ACMG Guidelines, 2015. Collection method: research. Allele origin: germline.

Literature cited by the submitters: PubMed 23418306 (cited by Labcorp Genetics (formerly Invitae), Labcorp); PubMed 26967905 (cited by Labcorp Genetics (formerly Invitae), Labcorp).

NM_178170.3(NEK8):c.1330G>T (p.Glu444Ter)

Gene: NEK8 (NIMA related kinase 8; plus strand). Cytogenetic location: 17q11.2.
Variant type: single nucleotide variant.
Coding change: c.1330G>T on transcript NM_178170.3 (MANE Select); coding-DNA position 1330, G replaced by T.
Protein change: p.Glu444Ter; replaces glutamic acid 444 with a stop codon.
Molecular consequence: nonsense.
Genome position (GRCh38, 1-based): chr17:28,739,114, G>T. VCF-style: chr17-28739114-G-T. GRCh37 (hg19) VCF-style: chr17-27066132-G-T.
Other names: short protein forms E444*.
Identifiers: ClinVar variation 2885979 (VCV002885979.4), dbSNP rs141973397, ClinGen allele CA289114585.
Genomic context (GRCh38, chr17:28,739,114, plus strand): 5'-CAGTTTCTCCTTGCTTCCTCTCCTCTCTAGCCCACCATTGTGGAGGCTTTGCTGGGCTAT[G>T]AAATGGTGCAGGTGGCCTGTGGGGCCTCTCACGTGCTGGCCCTGTCCACTGAGCGAGAAC-3'